The following is an entry in ClinVar:

ClinVar aggregate classification (germline): Benign/Likely benign. Review status: criteria provided, multiple submitters, no conflicts (2 of 4 stars). 6 submissions from 6 submitters: Benign (4); Likely benign (2). Last evaluated 2026-01-15.

Conditions:
Monogenic diabetes. Identifiers: Orphanet 183625, MedGen C3888631, MONDO:0015967.
Transitory neonatal diabetes mellitus. Also called: Transient neonatal diabetes mellitus. Identifiers: MedGen C0342273, MONDO:0020525, HP:0008255.
Diabetes mellitus, transient neonatal, 1 (TNDM1). Also called: Diabetes Mellitus, 6q24-Related Transient Neonatal. Identifiers: Orphanet 99886, MedGen C1832386, MONDO:0011073, OMIM 601410.

Allele frequency attached by ClinVar (database versions not stated): ESP Exome Variant Server 0.00109; gnomAD 0.00185 and 0.00372; TOPMed 0.00255; gnomAD exomes 0.00303 and 0.00593; ExAC 0.00676; 1000 Genomes Project 0.01398; 1000 Genomes Project 30x 0.01405.

Submissions (6):

Labcorp Genetics (formerly Invitae), Labcorp
Classification: Benign. Last evaluated: 2026-01-15. Review status: criteria provided, single submitter. Criteria: Invitae Variant Classification Sherloc (09022015). Collection method: clinical testing. Allele origin: germline.

ARUP Laboratories, Molecular Genetics and Genomics, ARUP Laboratories
Classification: Benign for Diabetes mellitus, transient neonatal, 1. Last evaluated: 2025-06-11. Review status: criteria provided, single submitter. Criteria: ARUP Molecular Germline Variant Investigation Process 2024. Collection method: clinical testing. Allele origin: germline.

Personalized Diabetes Medicine Program, University of Maryland School of Medicine
Classification: Benign for Monogenic diabetes. Last evaluated: 2018-11-21. Review status: criteria provided, single submitter. Criteria: ACMG Guidelines, 2015. Collection method: research. Allele origin: unknown. Observed: 1 variant allele, 1 heterozygote.
Comment: ACMG criteria: BP4 (REVEL 0.010 + 10 predictors), BA1 (3.5% in gnomAD African), BS2 (41 homozygotes in gnomAD)= benign

Illumina Laboratory Services, Illumina
Classification: Likely benign for Diabetes mellitus, transient neonatal, 1. Last evaluated: 2017-04-27. Review status: criteria provided, single submitter. Criteria: ICSL Variant Classification Criteria 13 December 2019. Collection method: clinical testing. Allele origin: germline.
Comment: This variant was observed as part of a predisposition screen in an ostensibly healthy population. A literature search was performed for the gene, cDNA change, and amino acid change (where applicable). No publications were found based on this search. Allele frequency data from public databases allowed determination this variant is unlikely to cause disease. Therefore, this variant is classified as likely benign.

Breakthrough Genomics
Classification: Likely benign. Review status: criteria provided, single submitter. Criteria: ACMG Guidelines, 2015. Collection method: not provided. Allele origin: germline. Inheritance: Autosomal dominant inheritance. Affected: yes.

Clinical Genomics, Uppaluri K&H Personalized Medicine Clinic
Classification: Benign for Transitory neonatal diabetes mellitus. Review status: criteria provided, single submitter. Criteria: K & H Uppaluri Personalized Medicine Clinic Variant Classification & Assertion Criteria_Updated V.1. Collection method: research. Allele origin: unknown. Inheritance: Autosomal dominant inheritance.
Comment: ZFP57 gene mutations are associated with neonatal diabetes, however the role of this particular variant rs200541066 of ZFP57 gene remains uncertain and needs further clinical validation.

Literature cited by the submitters: PubMed 31064016 (cited by Clinical Genomics, Uppaluri K&H Personalized Medicine Clinic); PubMed 30315371 (cited by Clinical Genomics, Uppaluri K&H Personalized Medicine Clinic).

NM_001109809.5(ZFP57):c.491G>A (p.Arg164Gln)

Gene: ZFP57 (ZFP57 zinc finger protein; minus strand). Cytogenetic location: 6p22.1.
Variant type: single nucleotide variant.
Coding change: c.491G>A on transcript NM_001109809.5 (MANE Select); coding-DNA position 491, G replaced by A.
Protein change: p.Arg164Gln; replaces arginine 164 with glutamine.
Molecular consequence: missense variant.
Genome position (GRCh38, 1-based): chr6:29,673,620, C>T on the plus strand (G>A on the coding strand, the complement: ZFP57 is on the minus strand). VCF-style: chr6-29673620-C-T. GRCh37 (hg19) VCF-style: chr6-29641397-C-T.
Other names: c.275G>A, p.Arg92Gln (NM_001366333.2); short protein forms R164Q, R92Q.
Identifiers: ClinVar variation 356218 (VCV000356218.19), dbSNP rs200541066, ClinGen allele CA3690807.